The following is an entry in ClinVar:

NM_001143979.2(NDE1):c.-675G>A

Gene: NDE1 (nudE neurodevelopment protein 1; plus strand). Cytogenetic location: 16p13.11.
Variant type: single nucleotide variant.
Coding change: c.-675G>A on transcript NM_001143979.2; 675 bases upstream of the start codon, G replaced by A.
Molecular consequence: 5 prime UTR variant.
Genome position (GRCh38, 1-based): chr16:15,643,418, G>A. VCF-style: chr16-15643418-G-A. GRCh37 (hg19) VCF-style: chr16-15737275-G-A.
Identifiers: ClinVar variation 318020 (VCV000318020.8), dbSNP rs34560499, ClinGen allele CA7920430.

ClinVar aggregate classification (germline): Benign. Review status: criteria provided, multiple submitters, no conflicts (2 of 4 stars). 2 submissions from 2 submitters: Benign (2). Last evaluated 2018-01-12.

Conditions:
Lissencephaly 4 (LIS4). Also called: Lissencephaly 4 (with microcephaly). Identifiers: Orphanet 1083, MedGen C3151461, MONDO:0013527, OMIM 614019.

Allele frequency attached by ClinVar (database versions not stated): gnomAD exomes 0.00728 and 0.00710; 1000 Genomes Project 0.01178; ESP Exome Variant Server 0.00527; gnomAD 0.00532 and 0.00470; TOPMed 0.00525; 1000 Genomes Project 30x 0.01077; ExAC 0.01233.
gnomAD v4.1: 3,064 of 468,038 alleles (0.65%); highest among the groups gnomAD compares: South Asian, 2.3%; 45 homozygotes.

Submissions (2):

Illumina Laboratory Services, Illumina
Classification: Benign for Lissencephaly 4. Last evaluated: 2018-01-12. Review status: criteria provided, single submitter. Criteria: ICSL Variant Classification Criteria 13 December 2019. Collection method: clinical testing. Allele origin: germline.
Comment: This variant was observed in the ICSL laboratory as part of a predisposition screen in an ostensibly healthy population. It had not been previously curated by ICSL or reported in the Human Gene Mutation Database (HGMD: prior to June 1st, 2018), and was therefore a candidate for classification through an automated scoring system. Utilizing variant allele frequency, disease prevalence and penetrance estimates, and inheritance mode, an automated score was calculated to assess if this variant is too frequent to cause the disease. Based on the score and internal cut-off values, a variant classified as benign is not then subjected to further curation. The score for this variant resulted in a classification of benign for this disease.

Breakthrough Genomics
Classification: Benign. Review status: criteria provided, single submitter. Criteria: ACMG Guidelines, 2015. Collection method: not provided. Allele origin: germline. Inheritance: Autosomal recessive inheritance. Affected: yes.